The following is an entry in ClinVar:

NM_000447.3(PSEN2):c.100G>A (p.Gly34Ser)

Gene: PSEN2 (presenilin 2; plus strand). Cytogenetic location: 1q42.13.
Variant type: single nucleotide variant.
Coding change: c.100G>A on transcript NM_000447.3 (MANE Select); coding-DNA position 100, G replaced by A.
Protein change: p.Gly34Ser; replaces glycine 34 with serine.
Molecular consequence: missense variant.
Genome position (GRCh38, 1-based): chr1:226,882,007, G>A. VCF-style: chr1-226882007-G-A. GRCh37 (hg19) VCF-style: chr1-227069708-G-A.
Other names: c.100G>A, p.Gly34Ser (NM_012486.3); short protein forms G34S.
Identifiers: ClinVar variation 721218 (VCV000721218.14), dbSNP rs200636353, ClinGen allele CA1424391.

ClinVar aggregate classification (germline): Conflicting classifications of pathogenicity. Review status: criteria provided, conflicting classifications (1 of 4 stars). 3 submissions from 2 submitters: Uncertain significance (1); Benign (1); Likely benign (1). Last evaluated 2025-12-15.

Conditions:
Alzheimer disease 4 (AD4). Identifiers: Orphanet 1020, MedGen C1847200, MONDO:0011743, OMIM 606889.
Dilated cardiomyopathy 1V (CMD1V). Identifiers: Orphanet 154, MedGen C3150958, MONDO:0013373, OMIM 613697.

Allele frequency attached by ClinVar (database versions not stated): gnomAD exomes 0.00016 and 0.00048; gnomAD 0.00019 and 0.00023; TOPMed 0.00031; ExAC 0.00047; 1000 Genomes Project 30x 0.00109; 1000 Genomes Project 0.00120.
gnomAD v4.1: 266 of 1,614,056 alleles (0.016%); highest among the groups gnomAD compares: East Asian, 0.47%; 1 homozygote.

Submissions (3):

Labcorp Genetics (formerly Invitae), Labcorp
Classification: Benign for Alzheimer disease 4. Last evaluated: 2025-12-15. Review status: criteria provided, single submitter. Criteria: Invitae Variant Classification Sherloc (09022015). Collection method: clinical testing. Allele origin: germline.

Illumina Laboratory Services, Illumina
Classification: Likely benign for Alzheimer disease 4. Last evaluated: 2018-01-13. Review status: criteria provided, single submitter. Criteria: ICSL Variant Classification Criteria 13 December 2019. Collection method: clinical testing. Allele origin: germline.
Comment: This variant was observed in the ICSL laboratory as part of a predisposition screen in an ostensibly healthy population. It had not been previously curated by ICSL or reported in the Human Gene Mutation Database (HGMD: prior to June 1st, 2018), and was therefore a candidate for classification through an automated scoring system. Utilizing variant allele frequency, disease prevalence and penetrance estimates, and inheritance mode, an automated score was calculated to assess if this variant is too frequent to cause the disease. Based on the score and internal cut-off values, a variant classified as likely benign is not then subjected to further curation. The score for this variant resulted in a classification of likely benign for this disease.

Illumina Laboratory Services, Illumina
Classification: Uncertain significance for Dilated cardiomyopathy 1V. Last evaluated: 2018-01-13. Review status: criteria provided, single submitter. Criteria: ICSL Variant Classification Criteria 13 December 2019. Collection method: clinical testing. Allele origin: germline.